The following is an entry in ClinVar:

NM_002474.3(MYH11):c.4433C>G (p.Ala1478Gly)

Genes: NDE1 (nudE neurodevelopment protein 1; plus strand), MYH11 (myosin heavy chain 11; minus strand). Cytogenetic location: 16p13.11.
Variant type: single nucleotide variant.
Coding change: c.4433C>G on transcript NM_002474.3 (MANE Select); coding-DNA position 4433, C replaced by G.
Protein change: p.Ala1478Gly; replaces alanine 1478 with glycine.
Molecular consequence: missense variant. On other transcripts: intron variant (2).
Genome position (GRCh38, 1-based): chr16:15,721,567, G>C on the plus strand (C>G on the coding strand, the complement: MYH11 is on the minus strand). VCF-style: chr16-15721567-G-C. GRCh37 (hg19) VCF-style: chr16-15815424-G-C.
Other names: c.4454C>G, p.Ala1485Gly (NM_001040113.2, NM_001040114.2); c.4433C>G, p.Ala1478Gly (NM_022844.3); c.948-2624G>C (NM_001143979.2, NM_017668.3); short protein forms A1478G, A1485G.
Identifiers: ClinVar variation 264436 (VCV000264436.11), dbSNP rs886039156, ClinGen allele CA10587885.

ClinVar aggregate classification (germline): Uncertain significance. Review status: criteria provided, multiple submitters, no conflicts (2 of 4 stars). 2 submissions from 2 submitters: Uncertain significance (2). Last evaluated 2022-08-31.

Conditions:
Familial thoracic aortic aneurysm and aortic dissection (TAAD). Also called: Thoracic aortic aneurysms and dissections. Identifiers: Orphanet 91387, MedGen C4707243, MONDO:0019625.
Aortic aneurysm, familial thoracic 4 (AAT4). Also called: AORTIC ANEURYSM/AORTIC DISSECTION AND PATENT DUCTUS ARTERIOSUS. Identifiers: MedGen C1851504, MONDO:0007568, OMIM 132900.

Submissions (2):

Labcorp Genetics (formerly Invitae), Labcorp
Classification: Uncertain significance for Aortic aneurysm, familial thoracic 4. Last evaluated: 2022-08-31. Review status: criteria provided, single submitter. Criteria: Invitae Variant Classification Sherloc (09022015). Collection method: clinical testing. Allele origin: germline.
Comment: This sequence change replaces alanine, which is neutral and non-polar, with glycine, which is neutral and non-polar, at codon 1485 of the MYH11 protein (p.Ala1485Gly). This variant is not present in population databases (gnomAD no frequency). This variant has not been reported in the literature in individuals affected with MYH11-related conditions. ClinVar contains an entry for this variant (Variation ID: 264436). Algorithms developed to predict the effect of missense changes on protein structure and function are either unavailable or do not agree on the potential impact of this missense change (SIFT: "Deleterious"; PolyPhen-2: "Possibly Damaging"; Align-GVGD: "Class C0"). In summary, the available evidence is currently insufficient to determine the role of this variant in disease. Therefore, it has been classified as a Variant of Uncertain Significance.

Ambry Genetics
Classification: Uncertain significance for Familial thoracic aortic aneurysm and aortic dissection. Last evaluated: 2015-09-29. Review status: criteria provided, single submitter. Criteria: Ambry Variant Classification Scheme 2023. Collection method: clinical testing. Allele origin: germline.
Comment: The p.A1478G variant (also known as c.4433C>G), located in coding exon 31 of the MYH11 gene, results from a C to G substitution at nucleotide position 4433. The alanine at codon 1478 is replaced by glycine, an amino acid with similar properties. This variant was not reported in population based cohorts in the following databases: Database of Single Nucleotide Polymorphisms (dbSNP), NHLBI Exome Sequencing Project (ESP), and 1000 Genomes Project. In the ESP, this variant was not observed in 6497 samples (12994 alleles) with coverage at this position. This amino acid position is highly conserved in available vertebrate species. In addition, the in silico prediction for this alteration is inconclusive. Since supporting evidence is limited at this time, the clinical significance of this variant remains unclear.